The following is an entry in ClinVar:

NM_002633.3(PGM1):c.125G>A (p.Ser42Asn)

Genes: PGM1 (phosphoglucomutase 1; plus strand), LOC129930668 (ATAC-STARR-seq lymphoblastoid active region 1127; plus strand). Cytogenetic location: 1p31.3.
Variant type: single nucleotide variant.
Coding change: c.125G>A on transcript NM_002633.3 (MANE Select); coding-DNA position 125, G replaced by A.
Protein change: p.Ser42Asn; replaces serine 42 with asparagine.
Molecular consequence: missense variant.
Genome position (GRCh38, 1-based): chr1:63,593,613, G>A. VCF-style: chr1-63593613-G-A. GRCh37 (hg19) VCF-style: chr1-64059284-G-A.
Other names: c.125G>A (NM_002633.2); short protein forms S42N.
Identifiers: ClinVar variation 1423448 (VCV001423448.4), dbSNP rs374207269, ClinGen allele CA889365.

ClinVar aggregate classification (germline): Uncertain significance. Review status: criteria provided, multiple submitters, no conflicts (2 of 4 stars). 3 submissions from 3 submitters: Uncertain significance (3). Last evaluated 2024-06-28.

Conditions:
PGM1-congenital disorder of glycosylation. Also called: CDG It; PHOSPHOGLUCOMUTASE 1 DEFICIENCY; PGM1 DEFICIENCY; GLYCOGEN STORAGE DISEASE XIV; GSD XIV; Congenital disorder of glycosylation type 1t. Identifiers: Orphanet 319646, MedGen C2752015, MONDO:0013968, OMIM 614921.

Allele frequency attached by ClinVar (database versions not stated): ExAC 0.00003; ESP Exome Variant Server 0.00008.
gnomAD v4.1: 38 of 1,613,202 alleles (0.0024%); highest among the groups gnomAD compares: Non-Finnish European, 0.003%; no homozygotes.

Submissions (3):

Blueprint Genetics
Classification: Uncertain significance. Last evaluated: 2024-06-28. Review status: criteria provided, single submitter. Criteria: ACMG Guidelines, 2015. Collection method: clinical testing. Allele origin: germline.

GeneDx
Classification: Uncertain significance. Last evaluated: 2022-09-25. Review status: criteria provided, single submitter. Criteria: GeneDx Variant Classification Process June 2021. Collection method: clinical testing. Allele origin: germline. Affected: yes.
Comment: Not observed at significant frequency in large population cohorts (gnomAD); In silico analysis supports that this missense variant does not alter protein structure/function; Has not been previously published as pathogenic or benign to our knowledge

Labcorp Genetics (formerly Invitae), Labcorp
Classification: Uncertain significance for PGM1-congenital disorder of glycosylation. Last evaluated: 2021-11-17. Review status: criteria provided, single submitter. Criteria: Invitae Variant Classification Sherloc (09022015). Collection method: clinical testing. Allele origin: germline.
Comment: This sequence change replaces serine, which is neutral and polar, with asparagine, which is neutral and polar, at codon 42 of the PGM1 protein (p.Ser42Asn). This variant is present in population databases (rs374207269, gnomAD 0.007%). This variant has not been reported in the literature in individuals affected with PGM1-related conditions. Algorithms developed to predict the effect of missense changes on protein structure and function are either unavailable or do not agree on the potential impact of this missense change (SIFT: "Deleterious"; PolyPhen-2: "Possibly Damaging"; Align-GVGD: "Class C0"). In summary, the available evidence is currently insufficient to determine the role of this variant in disease. Therefore, it has been classified as a Variant of Uncertain Significance.